The following is an entry in ClinVar:

NM_000098.3(CPT2):c.88G>A (p.Gly30Arg)

Genes: CPT2 (carnitine palmitoyltransferase 2; plus strand), LOC129930561 (ATAC-STARR-seq lymphoblastoid silent region 902; plus strand). Cytogenetic location: 1p32.3.
Variant type: single nucleotide variant.
Coding change: c.88G>A on transcript NM_000098.3 (MANE Select); coding-DNA position 88, G replaced by A.
Protein change: p.Gly30Arg; replaces glycine 30 with arginine.
Molecular consequence: missense variant.
Genome position (GRCh38, 1-based): chr1:53,197,031, G>A. VCF-style: chr1-53197031-G-A. GRCh37 (hg19) VCF-style: chr1-53662703-G-A.
Other names: c.88G>A, p.Gly30Arg (NM_001330589.2); short protein forms G30R.
Identifiers: ClinVar variation 1402012 (VCV001402012.4), dbSNP rs937940197, ClinGen allele CA340388714.

ClinVar aggregate classification (germline): Uncertain significance (1 of 4 stars; one submission).

Conditions:
Carnitine palmitoyltransferase II deficiency. Also called: Carnitine Palmitoyltransferase 2 Deficiency. Identifiers: Orphanet 157, MedGen C0342790, MONDO:0015515.

gnomAD v4.1: 20 of 1,536,480 alleles (0.0013%); highest among the groups gnomAD compares: Non-Finnish European, 0.0017%; no homozygotes.

Submission:

Labcorp Genetics (formerly Invitae), Labcorp
Classification: Uncertain significance for Carnitine palmitoyltransferase II deficiency. Last evaluated: 2025-01-12. Review status: criteria provided, single submitter. Criteria: Invitae Variant Classification Sherloc (09022015). Collection method: clinical testing. Allele origin: germline.
Comment: This sequence change replaces glycine, which is neutral and non-polar, with arginine, which is basic and polar, at codon 30 of the CPT2 protein (p.Gly30Arg). This variant is not present in population databases (gnomAD no frequency). This variant has not been reported in the literature in individuals affected with CPT2-related conditions. ClinVar contains an entry for this variant (Variation ID: 1402012). Invitae Evidence Modeling of protein sequence and biophysical properties (such as structural, functional, and spatial information, amino acid conservation, physicochemical variation, residue mobility, and thermodynamic stability) indicates that this missense variant is not expected to disrupt CPT2 protein function with a negative predictive value of 95%. In summary, the available evidence is currently insufficient to determine the role of this variant in disease. Therefore, it has been classified as a Variant of Uncertain Significance.